The following is an entry in ClinVar:

ClinVar aggregate classification (germline): Pathogenic. Review status: reviewed by expert panel (3 of 4 stars). 4 submissions from 4 submitters: Pathogenic (1). 3 of the submissions do not count toward it. Last evaluated 2017-12-15.

Conditions:
Hereditary breast ovarian cancer syndrome. Also called: Hereditary breast and ovarian cancer syndrome (HBOC); BRCA1- and BRCA2-Associated Hereditary Breast and Ovarian Cancer; Hereditary breast and/or ovarian cancer syndrome; Hereditary breast and ovarian cancer syndrome; Hereditary breast and ovarian cancer; Breast and ovarian cancer. Identifiers: Orphanet 145, MedGen C0677776, MeSH D061325, MONDO:0003582. Disease mechanism: loss of function.
Hereditary cancer-predisposing syndrome. Also called: Neoplastic Syndromes, Hereditary; Hereditary neoplastic syndrome; Tumor predisposition; Hereditary Cancer Syndrome. Identifiers: Orphanet 140162, MedGen C0027672, MeSH D009386, MONDO:0015356.
Breast-ovarian cancer, familial, susceptibility to, 1 (BROVCA1). Also called: BRCA1 Hereditary Breast and Ovarian Cancer; OVARIAN CANCER, SUSCEPTIBILITY TO. Identifiers: Orphanet 145, MedGen C2676676, MONDO:0011450, OMIM 604370. Disease mechanism: loss of function.

Submissions (4):

Evidence-based Network for the Interpretation of Germline Mutant Alleles (ENIGMA)
Classification: Pathogenic for Breast-ovarian cancer, familial, susceptibility to, 1. Last evaluated: 2017-12-15. Review status: reviewed by expert panel. Criteria: ENIGMA BRCA1/2 Classification Criteria (2017-06-29). Collection method: curation. Allele origin: germline. Study: ENIGMA.
Comment: Variant allele predicted to encode a truncated non-functional protein.

Labcorp Genetics (formerly Invitae), Labcorp
Classification: Pathogenic for Hereditary breast ovarian cancer syndrome. Last evaluated: 2022-12-29. Review status: criteria provided, single submitter. Criteria: Invitae Variant Classification Sherloc (09022015). Collection method: clinical testing. Allele origin: germline. Not counted in ClinVar's aggregate classification.
Comment: For these reasons, this variant has been classified as Pathogenic. ClinVar contains an entry for this variant (Variation ID: 420037). This premature translational stop signal has been observed in individual(s) with breast and/or ovarian cancer (PMID: 25556971). This variant is not present in population databases (gnomAD no frequency). This sequence change creates a premature translational stop signal (p.Ser1596*) in the BRCA1 gene. It is expected to result in an absent or disrupted protein product. Loss-of-function variants in BRCA1 are known to be pathogenic (PMID: 20104584).

Ambry Genetics
Classification: Pathogenic for Hereditary cancer-predisposing syndrome. Last evaluated: 2022-05-06. Review status: criteria provided, single submitter. Criteria: Ambry Variant Classification Scheme 2023. Collection method: clinical testing. Allele origin: germline. Not counted in ClinVar's aggregate classification.
Comment: The p.S1596* pathogenic mutation (also known as c.4787C>A), located in coding exon 14 of the BRCA1 gene, results from a C to A substitution at nucleotide position 4787. This changes the amino acid from a serine to a stop codon within coding exon 14. This variant is considered to be rare based on population cohorts in the Genome Aggregation Database (gnomAD). This alteration is expected to result in loss of function by premature protein truncation or nonsense-mediated mRNA decay. As such, this alteration is interpreted as a disease-causing mutation.

GeneDx
Classification: Pathogenic. Last evaluated: 2020-05-12. Review status: criteria provided, single submitter. Criteria: GeneDx Variant Classification Process June 2021. Collection method: clinical testing. Allele origin: germline. Affected: yes. Not counted in ClinVar's aggregate classification.
Comment: Nonsense variant predicted to result in protein truncation or nonsense mediated decay in a gene for which loss-of-function is a known mechanism of disease; Not observed in large population cohorts (Lek 2016); Truncating variants in this gene are considered pathogenic by a well-established clinical consortium and/or database; Also known as 4906C>A; This variant is associated with the following publications: (PMID: 30322717, 25556971, 30199306)

Literature cited by the submitters: PubMed 25556971 (cited by Labcorp Genetics (formerly Invitae), Labcorp and Ambry Genetics); PubMed 20104584 (cited by Labcorp Genetics (formerly Invitae), Labcorp).

NM_007294.4(BRCA1):c.4787C>A (p.Ser1596Ter)

Gene: BRCA1 (BRCA1 DNA repair associated; minus strand). Cytogenetic location: 17q21.31.
Variant type: single nucleotide variant.
Coding change: c.4787C>A on transcript NM_007294.4 (MANE Select); coding-DNA position 4787, C replaced by A.
Protein change: p.Ser1596Ter; replaces serine 1596 with a stop codon.
Molecular consequence: nonsense. On other transcripts: non-coding transcript variant (1).
Genome position (GRCh38, 1-based): chr17:43,071,127, G>T on the plus strand (C>A on the coding strand, the complement: BRCA1 is on the minus strand). VCF-style: chr17-43071127-G-T. GRCh37 (hg19) VCF-style: chr17-41223144-G-T.
Other names: c.4574C>A, p.Ser1525Ter (NM_001407571.1, NM_001407894.1, NM_001407895.1 and 12 more transcripts); c.4853C>A, p.Ser1618Ter (NM_001407581.1, NM_001407582.1); c.4850C>A, p.Ser1617Ter (NM_001407583.1, NM_001407585.1, NM_001407587.1 and 1 more transcripts); c.4847C>A, p.Ser1616Ter (NM_001407590.1, NM_001407591.1); c.4787C>A, p.Ser1596Ter (NM_001407593.1, NM_001407594.1, NM_001407596.1 and 8 more transcripts); c.4784C>A, p.Ser1595Ter (NM_001407610.1, NM_001407621.1, NM_001407622.1 and 17 more transcripts); c.4781C>A, p.Ser1594Ter (NM_001407627.1, NM_001407628.1, NM_001407629.1 and 14 more transcripts); c.4778C>A, p.Ser1593Ter (NM_001407644.1, NM_001407645.1); and 70 more; short protein forms S1596*, S492*, S1549*, S1617*, S1468*, S1485*, S1526*, S1552*.
Identifiers: ClinVar variation 420037 (VCV000420037.19), dbSNP rs80357429, ClinGen allele CA10591942.